The following is an entry in ClinVar:

NM_001171.6(ABCC6):c.2530A>C (p.Lys844Gln)

Gene: ABCC6 (ATP binding cassette subfamily C member 6; minus strand). Cytogenetic location: 16p13.11.
Variant type: single nucleotide variant.
Coding change: c.2530A>C on transcript NM_001171.6 (MANE Select); coding-DNA position 2530, A replaced by C.
Protein change: p.Lys844Gln; replaces lysine 844 with glutamine.
Molecular consequence: missense variant.
Genome position (GRCh38, 1-based): chr16:16,177,512, T>G on the plus strand (A>C on the coding strand, the complement: ABCC6 is on the minus strand). VCF-style: chr16-16177512-T-G. GRCh37 (hg19) VCF-style: chr16-16271369-T-G.
Other names: c.2188A>C, p.Lys730Gln (NM_001351800.1); c.2530A>C (NM_001171.5); short protein forms K730Q, K844Q.
Identifiers: ClinVar variation 1017015 (VCV001017015.8), dbSNP rs201884545, ClinGen allele CA7925889.
Genomic context (GRCh38, chr16:16,177,512, plus strand): 5'-CTCCTTCTCCTCTATCTCCTGGCTGTCTGGCTTGATCCAGAAGACACATGAGGGCCCCCT[T>G]CCTCTGCAGAAGCTCCTGGTAGGAACCCATCTCTGCGATGGCCCCATTTGCCAGCACTAT-3'
Protein context (NP_001162.5, residues 834-854): MGSYQELLQR[Lys844Gln]GALMCLLDQA

ClinVar aggregate classification (germline): Uncertain significance. Review status: criteria provided, multiple submitters, no conflicts (2 of 4 stars). 3 submissions from 3 submitters: Uncertain significance (3). Last evaluated 2025-11-02.

Conditions:
Pseudoxanthoma elasticum. Also called: Pseudoxanthoma elasticum (inherited or acquired). Identifiers: MedGen C0033847, MONDO:0024308.
ABCC6-related disorder. Also called: ABCC6-related condition.
Arterial calcification, generalized, of infancy, 2. Identifiers: Orphanet 51608, MedGen C3276161, MONDO:0013768, OMIM 614473.
Autosomal recessive inherited pseudoxanthoma elasticum (PXE). Identifiers: Orphanet 758, MedGen CN032334, MONDO:0009925, OMIM 264800.
Pseudoxanthoma elasticum, forme fruste. Also called: PSEUDOXANTHOMA ELASTICUM, HETEROZYGOUS; Pseudoxanthoma Elasticum, Incomplete. Identifiers: Orphanet 758, MedGen C1867450, MONDO:0008333, OMIM 177850.

Allele frequency attached by ClinVar (database versions not stated): gnomAD 0.00001 and 0.00002; TOPMed 0.00001; gnomAD exomes 0.00002 and 0.00003; ExAC 0.00003.
gnomAD v4.1: 35 of 1,613,982 alleles (0.0022%); highest among the groups gnomAD compares: Middle Eastern, 0.017%; no homozygotes.

Submissions (3):

PreventionGenetics, part of Exact Sciences
Classification: Uncertain significance for ABCC6-related condition. Last evaluated: 2025-11-02. Review status: criteria provided, single submitter. Criteria: ACMG Guidelines, 2015. Collection method: clinical testing. Allele origin: germline.
Comment: The ABCC6 c.2530A>C variant is predicted to result in the amino acid substitution p.Lys844Gln. This variant was reported in an individual with vascular anomalies (Table S2, Mattassi et al. 2018. PubMed ID: 28655553). This variant is reported in 0.0062% of alleles in individuals of European (Non-Finnish) descent in gnomAD. At this time, the clinical significance of this variant is uncertain due to the absence of conclusive functional and genetic evidence.

Fulgent Genetics
Classification: Uncertain significance for Pseudoxanthoma elasticum, forme fruste; Autosomal recessive inherited pseudoxanthoma elasticum; Arterial calcification, generalized, of infancy, 2. Last evaluated: 2024-06-20. Review status: criteria provided, single submitter. Criteria: ACMG Guidelines, 2015. Collection method: clinical testing. Allele origin: germline.

Labcorp Genetics (formerly Invitae), Labcorp
Classification: Uncertain significance. Last evaluated: 2022-05-07. Review status: criteria provided, single submitter. Criteria: Invitae Variant Classification Sherloc (09022015). Collection method: clinical testing. Allele origin: germline.
Comment: This sequence change replaces lysine, which is basic and polar, with glutamine, which is neutral and polar, at codon 844 of the ABCC6 protein (p.Lys844Gln). This variant is present in population databases (rs201884545, gnomAD 0.006%). This missense change has been observed in individual(s) with clinical features of ABCC6-related conditions (PMID: 28655553). ClinVar contains an entry for this variant (Variation ID: 1017015). Advanced modeling of protein sequence and biophysical properties (such as structural, functional, and spatial information, amino acid conservation, physicochemical variation, residue mobility, and thermodynamic stability) performed at Invitae indicates that this missense variant is not expected to disrupt ABCC6 protein function. Algorithms developed to predict the effect of sequence changes on RNA splicing suggest that this variant may disrupt the consensus splice site. In summary, the available evidence is currently insufficient to determine the role of this variant in disease. Therefore, it has been classified as a Variant of Uncertain Significance.

Literature cited by the submitters: PubMed 28655553 (cited by Labcorp Genetics (formerly Invitae), Labcorp).